The following is an entry in ClinVar:

ClinVar aggregate classification (germline): Uncertain significance (1 of 4 stars; one submission).

Allele frequency attached by ClinVar (database versions not stated): gnomAD exomes 0.00002; ExAC 0.00003.

Submission:

Labcorp Genetics (formerly Invitae), Labcorp
Classification: Uncertain significance. Last evaluated: 2022-08-23. Review status: criteria provided, single submitter. Criteria: Invitae Variant Classification Sherloc (09022015). Collection method: clinical testing. Allele origin: germline.
Comment: This sequence change replaces valine, which is neutral and non-polar, with leucine, which is neutral and non-polar, at codon 1209 of the RBP3 protein (p.Val1209Leu). This variant is present in population databases (rs782334247, gnomAD 0.004%). This variant has not been reported in the literature in individuals affected with RBP3-related conditions. ClinVar contains an entry for this variant (Variation ID: 1410086). Algorithms developed to predict the effect of missense changes on protein structure and function (SIFT, PolyPhen-2, Align-GVGD) all suggest that this variant is likely to be tolerated. In summary, the available evidence is currently insufficient to determine the role of this variant in disease. Therefore, it has been classified as a Variant of Uncertain Significance.

NM_002900.3(RBP3):c.3625G>C (p.Val1209Leu)

Gene: RBP3 (retinol binding protein 3; plus strand). Cytogenetic location: 10q11.22.
Variant type: single nucleotide variant.
Coding change: c.3625G>C on transcript NM_002900.3 (MANE Select); coding-DNA position 3625, G replaced by C.
Protein change: p.Val1209Leu; replaces valine 1209 with leucine.
Molecular consequence: missense variant.
Genome position (GRCh38, 1-based): chr10:47,357,338, G>C. VCF-style: chr10-47357338-G-C. GRCh37 (hg19) VCF-style: chr10-48382024-C-G.
Other names: short protein forms V1209L.
Identifiers: ClinVar variation 1410086 (VCV001410086.3), dbSNP rs782334247, ClinGen allele CA5487002.